The following is an entry in ClinVar:

ClinVar aggregate classification (germline): Uncertain significance (1 of 4 stars; one submission).

Submission:

GeneDx
Classification: Uncertain significance. Last evaluated: 2018-05-29. Review status: criteria provided, single submitter. Criteria: GeneDx Variant Classification (06012015). Collection method: clinical testing. Allele origin: germline. Affected: yes.
Comment: The L1453P variant in the MTOR gene has not been reported previously as a germline pathogenic variant, nor as a benign variant, to our knowledge. The L1453P variant is not observed in large population cohorts (Lek et al., 2016). The variant is a semi-conservative amino acid substitution, which may impact secondary protein structure as these residues differ in some properties. In-silico analyses, including protein predictors and evolutionary conservation, support a deleterious effect. We interpret L1453P as a variant of uncertain significance

NM_004958.4(MTOR):c.4358T>C (p.Leu1453Pro)

Gene: MTOR (mechanistic target of rapamycin kinase; minus strand). Cytogenetic location: 1p36.22.
Variant type: single nucleotide variant.
Coding change: c.4358T>C on transcript NM_004958.4 (MANE Select); coding-DNA position 4358, T replaced by C.
Protein change: p.Leu1453Pro; replaces leucine 1453 with proline.
Molecular consequence: missense variant.
Genome position (GRCh38, 1-based): chr1:11,157,263, A>G on the plus strand (T>C on the coding strand, the complement: MTOR is on the minus strand). VCF-style: chr1-11157263-A-G. GRCh37 (hg19) VCF-style: chr1-11217320-A-G.
Other names: c.4358T>C (LRG_734t1); short protein forms L1453P.
Identifiers: ClinVar variation 546377 (VCV000546377.2), dbSNP rs1553179349, ClinGen allele CA338372102.